The following is an entry in ClinVar:

ClinVar aggregate classification (germline): Uncertain significance (1 of 4 stars; one submission).

Conditions:
Schuurs-Hoeijmakers syndrome. Also called: PACS1-Related Neurodevelopmental Disorder. Identifiers: Orphanet 329224, MedGen C3554343, MONDO:0014006, OMIM 615009.

Allele frequency attached by ClinVar (database versions not stated): ExAC 0.00001; gnomAD exomes 0.00001.
gnomAD v4.1: 18 of 1,613,794 alleles (0.0011%); highest among the groups gnomAD compares: Non-Finnish European, 0.0015%; no homozygotes.

Submission:

Labcorp Genetics (formerly Invitae), Labcorp
Classification: Uncertain significance for Schuurs-Hoeijmakers syndrome. Last evaluated: 2025-08-29. Review status: criteria provided, single submitter. Criteria: Invitae Variant Classification Sherloc (09022015). Collection method: clinical testing. Allele origin: germline.
Comment: This sequence change replaces threonine, which is neutral and polar, with alanine, which is neutral and non-polar, at codon 793 of the PACS1 protein (p.Thr793Ala). This variant is present in population databases (rs775537865, gnomAD 0.0009%). This variant has not been reported in the literature in individuals affected with PACS1-related conditions. ClinVar contains an entry for this variant (Variation ID: 1926999). Invitae Evidence Modeling of protein sequence and biophysical properties (such as structural, functional, and spatial information, amino acid conservation, physicochemical variation, residue mobility, and thermodynamic stability) indicates that this missense variant is not expected to disrupt PACS1 protein function with a negative predictive value of 80%. In summary, the available evidence is currently insufficient to determine the role of this variant in disease. Therefore, it has been classified as a Variant of Uncertain Significance.

NM_018026.4(PACS1):c.2377A>G (p.Thr793Ala)

Gene: PACS1 (phosphofurin acidic cluster sorting protein 1; plus strand). Cytogenetic location: 11q13.2.
Variant type: single nucleotide variant.
Coding change: c.2377A>G on transcript NM_018026.4 (MANE Select); coding-DNA position 2377, A replaced by G.
Protein change: p.Thr793Ala; replaces threonine 793 with alanine.
Molecular consequence: missense variant.
Genome position (GRCh38, 1-based): chr11:66,239,225, A>G. VCF-style: chr11-66239225-A-G. GRCh37 (hg19) VCF-style: chr11-66006696-A-G.
Other names: short protein forms T793A.
Identifiers: ClinVar variation 1926999 (VCV001926999.5), dbSNP rs775537865, ClinGen allele CA6116861.